The following is an entry in ClinVar:

ClinVar aggregate classification (germline): Likely benign. Review status: criteria provided, multiple submitters, no conflicts (2 of 4 stars). 4 submissions from 4 submitters: Likely benign (4). Last evaluated 2025-07-29.

Conditions:
Charcot-Marie-Tooth disease axonal type 2C (HMSN2C). Also called: CHARCOT-MARIE-TOOTH DISEASE, AXONAL, AUTOSOMAL DOMINANT, TYPE 2C; Charcot-Marie-Tooth Neuropathy Type 2C; Charcot-Marie-Tooth Disease Type 2, TRPV4-Related (CMT2C). Identifiers: Orphanet 99937, MedGen C1853710, MONDO:0011633, OMIM 606071.

Allele frequency attached by ClinVar (database versions not stated): gnomAD exomes 0.00003; ExAC 0.00003; TOPMed 0.00003.
gnomAD v4.1: 24 of 1,609,624 alleles (0.0015%); highest among the groups gnomAD compares: Middle Eastern, 0.016%; no homozygotes.

Submissions (4):

Labcorp Genetics (formerly Invitae), Labcorp
Classification: Likely benign for Charcot-Marie-Tooth disease axonal type 2C. Last evaluated: 2025-07-29. Review status: criteria provided, single submitter. Criteria: Invitae Variant Classification Sherloc (09022015). Collection method: clinical testing. Allele origin: germline.

Athena Diagnostics
Classification: Likely benign. Last evaluated: 2025-06-10. Review status: criteria provided, single submitter. Criteria: Athena Diagnostics Criteria. Collection method: clinical testing. Allele origin: unknown.
Comment: The frequency of this variant in the general population is higher than would generally be expected for pathogenic variants in this gene. Computational tools yielded predictions that this variant is unlikely to have an effect on normal RNA splicing. This nucleotide position exhibits low evolutionary conservation.

Blueprint Genetics
Classification: Likely benign. Last evaluated: 2022-07-18. Review status: criteria provided, single submitter. Criteria: ACMG Guidelines, 2015. Collection method: clinical testing. Allele origin: germline.

GeneDx
Classification: Likely benign. Last evaluated: 2018-04-13. Review status: criteria provided, single submitter. Criteria: GeneDx Variant Classification (06012015). Collection method: clinical testing. Allele origin: germline. Affected: yes.
Comment: This variant is considered likely benign or benign based on one or more of the following criteria: it is a conservative change, it occurs at a poorly conserved position in the protein, it is predicted to be benign by multiple in silico algorithms, and/or has population frequency not consistent with disease.

NM_021625.5(TRPV4):c.1152+10C>T

Gene: TRPV4 (transient receptor potential cation channel subfamily V member 4; minus strand). Cytogenetic location: 12q24.11.
Variant type: single nucleotide variant.
Coding change: c.1152+10C>T on transcript NM_021625.5 (MANE Select); 10 bases into the intron after coding-DNA position 1152, C replaced by T.
Molecular consequence: intron variant.
Genome position (GRCh38, 1-based): chr12:109,798,604, G>A on the plus strand (C>T on the coding strand, the complement: TRPV4 is on the minus strand). VCF-style: chr12-109798604-G-A. GRCh37 (hg19) VCF-style: chr12-110236409-G-A.
Other names: c.1011+10C>T (NM_001177433.1, NM_001177428.1); c.1152+10C>T (NM_147204.2); c.1050+10C>T (NM_001177431.1).
Identifiers: ClinVar variation 415540 (VCV000415540.11), dbSNP rs766655934, ClinGen allele CA6780338.
Genomic context (GRCh38, chr12:109,798,604, plus strand): 5'-CAGACCCTCGTGTGTGTGTGCAGAGGGGTACGAGTAGGTGGATCAGCTGTGCCCCCAGCC[G>A]CACACTCACCCCAATCTTGCCCGTCTTGGCAGCCATCATGAGGGGCGAGAGGCCGTCGTT-3'